The following is an entry in ClinVar:

NM_001009944.3(PKD1):c.4195T>C (p.Trp1399Arg)

Gene: PKD1 (polycystin 1, transient receptor potential channel interacting; minus strand). Cytogenetic location: 16p13.3.
Variant type: single nucleotide variant.
Coding change: c.4195T>C on transcript NM_001009944.3 (MANE Select); coding-DNA position 4195, T replaced by C.
Protein change: p.Trp1399Arg; replaces tryptophan 1399 with arginine.
Molecular consequence: missense variant.
Genome position (GRCh38, 1-based): chr16:2,110,972, A>G on the plus strand (T>C on the coding strand, the complement: PKD1 is on the minus strand). VCF-style: chr16-2110972-A-G. GRCh37 (hg19) VCF-style: chr16-2160973-A-G.
Other names: c.4195T>C, p.Trp1399Arg (NM_000296.4); short protein forms W1399R.
Identifiers: ClinVar variation 256962 (VCV000256962.27), dbSNP rs116092985, ClinGen allele CA7832460.

ClinVar aggregate classification (germline): Benign/Likely benign. Review status: criteria provided, multiple submitters, no conflicts (2 of 4 stars). 13 submissions from 13 submitters: Benign (8); Likely benign (1). 4 of the submissions do not count toward it. Last evaluated 2025-06-04.

Conditions:
Autosomal dominant polycystic kidney disease. Identifiers: Orphanet 730, MedGen C0085413, MONDO:0004691.
Polycystic kidney disease, adult type (PKD1). Also called: Polycystic Kidney, Autosomal Dominant; Polycystic Kidney Disease 1, Autosomal Dominant; Polycystic kidney disease 1; Polycystic kidney disease 1, severe; POLYCYSTIC KIDNEY DISEASE 1 WITH OR WITHOUT POLYCYSTIC LIVER DISEASE; POLYCYSTIC KIDNEY DISEASE, ADULT, TYPE I. Identifiers: MedGen C3149841, MONDO:0008263, OMIM 173900.
Polycystic kidney disease. Also called: Polycystic kidney dysplasia; Kidney, Polycystic. Identifiers: MedGen C0022680, MeSH D007690, MONDO:0020642, HP:0000113.

Allele frequency attached by ClinVar (database versions not stated): 1000 Genomes Project 0.04673; 1000 Genomes Project 30x 0.04856; gnomAD exomes 0.06497; ExAC 0.06664; gnomAD 0.07036 and 0.07730; TOPMed 0.07951.
gnomAD v4.1: 134,599 of 1,597,052 alleles (8.4%); highest among the groups gnomAD compares: Middle Eastern, 15%; 6,826 homozygotes.

Submissions (13):

Women's Health and Genetics/Laboratory Corporation of America, LabCorp
Classification: Likely benign. Last evaluated: 2025-06-04. Review status: criteria provided, single submitter. Criteria: LabCorp Variant Classification Summary - May 2015. Collection method: clinical testing. Allele origin: germline.

Blueprint Genetics
Classification: Benign. Last evaluated: 2024-11-27. Review status: criteria provided, single submitter. Criteria: ACMG Guidelines, 2015. Collection method: clinical testing. Allele origin: germline.

Mayo Clinic Laboratories, Mayo Clinic
Classification: Benign. Last evaluated: 2022-04-22. Review status: criteria provided, single submitter. Criteria: ACMG Guidelines, 2015. Collection method: clinical testing. Allele origin: germline. Observed: 145 variant alleles.

ARUP Laboratories, Molecular Genetics and Genomics, ARUP Laboratories
Classification: Benign for Polycystic kidney disease, adult type. Last evaluated: 2020-07-07. Review status: criteria provided, single submitter. Criteria: ARUP Molecular Germline Variant Investigation Process. Collection method: clinical testing. Allele origin: germline.

GeneDx
Classification: Benign. Last evaluated: 2019-12-30. Review status: criteria provided, single submitter. Criteria: GeneDx Variant Classification Process June 2021. Collection method: clinical testing. Allele origin: germline. Affected: yes.
Comment: This variant is associated with the following publications: (PMID: 24374109)

Molecular Genetics of Inherited Kidney Disorders Laboratory, Garvan Institute of Medical Research
Classification: Benign for Autosomal dominant polycystic kidney disease. Last evaluated: 2019-01-01. Review status: criteria provided, single submitter. Criteria: ACMG Guidelines, 2015. Collection method: research. Allele origin: germline. Affected: yes.

Eurofins Ntd Llc (ga)
Classification: Benign. Last evaluated: 2017-02-01. Review status: criteria provided, single submitter. Criteria: EGL Classification Definitions 2015. Collection method: clinical testing. Allele origin: germline. Observed: 1 variant allele, 1 heterozygote.

Breakthrough Genomics
Classification: Benign. Review status: criteria provided, single submitter. Criteria: ACMG Guidelines, 2015. Collection method: not provided. Allele origin: germline. Inheritance: Autosomal dominant inheritance. Affected: yes.

PreventionGenetics, part of Exact Sciences
Classification: Benign. Review status: criteria provided, single submitter. Criteria: ACMG Guidelines, 2015. Collection method: clinical testing. Allele origin: germline.

Department of Pathology and Laboratory Medicine, Sinai Health System
Classification: Benign for Polycystic Kidney disease. Review status: no assertion criteria provided. Collection method: clinical testing. Allele origin: unknown. Affected: yes. Study: The Canadian Open Genetics Repository (COGR). Not counted in ClinVar's aggregate classification.
Comment: The PKD1, p.Trp1399Arg variant was identified in 6.7% of 11722 control alleles in the Exome Aggregation Consortium (March 14, 2016). According to ACMG guidelines for variant classification based on allele frequency, category BA1, this variant is considered benign and has not been further reviewed (Richards 2015).

Genome Diagnostics Laboratory, University Medical Center Utrecht
Classification: Benign. Review status: no assertion criteria provided. Collection method: clinical testing. Allele origin: germline. Affected: yes. Study: VKGL Data-share Consensus. Not counted in ClinVar's aggregate classification.

Joint Genome Diagnostic Labs from Nijmegen and Maastricht, Radboudumc and MUMC+
Classification: Benign. Review status: no assertion criteria provided. Collection method: clinical testing. Allele origin: germline. Affected: yes. Study: VKGL Data-share Consensus. Not counted in ClinVar's aggregate classification.

Laboratory of Diagnostic Genome Analysis, Leiden University Medical Center (LUMC)
Classification: Benign. Review status: no assertion criteria provided. Collection method: clinical testing. Allele origin: germline. Affected: yes. Study: VKGL Data-share Consensus. Not counted in ClinVar's aggregate classification.